The following is an entry in ClinVar:

NM_000081.4(LYST):c.222TCT[2] (p.Leu77del)

Gene: LYST (lysosomal trafficking regulator; minus strand). Cytogenetic location: 1q42.3.
Variant type: Microsatellite.
Coding change: c.222TCT[2] on transcript NM_000081.4 (MANE Select); two copies in a row of the 3-base unit TCT starting at c.222; the reference has three copies in a row; one copy, 3 bases deleted; also written c.228_230del.
Protein change: p.Leu77del; deletes leucine 77.
Genome position (GRCh38, 1-based): chr1:235,813,024-235,813,026, AGA deleted on the plus strand (TCT on the coding strand, the reverse complement: LYST is on the minus strand); deleting any 3 consecutive bases within chr1:235,813,024-235,813,032 gives the same sequence; the position shown is the placement nearest the transcript's 3' end. VCF-style (leftmost placement, unchanged base first): chr1-235813023-CAGA-C. GRCh37 (hg19) VCF-style: chr1-235976323-CAGA-C.
Other names: p.Leu77del; c.222TCT[2], p.Leu77del (NM_001301365.1); c.228_230del (NM_000081.4); short protein forms L77del.
Identifiers: ClinVar variation 3380780 (VCV003380780.1).

ClinVar aggregate classification (germline): Uncertain significance (1 of 4 stars; one submission).

Submission:

Mayo Clinic Laboratories, Mayo Clinic
Classification: Uncertain significance. Last evaluated: 2023-09-28. Review status: criteria provided, single submitter. Criteria: ACMG Guidelines, 2015. Collection method: clinical testing. Allele origin: germline. Observed: 1 variant allele.
Comment: PM2_moderate